The following is an entry in ClinVar:

ClinVar aggregate classification (germline): Likely pathogenic (1 of 4 stars; one submission).

Conditions:
ERCC2-related disorder. Also called: ERCC2-related conditions; ERCC2-related condition; ERCC2-related disorders. Identifiers: MedGen CN239291.

Submission:

Myriad Genetics, Inc.
Classification: Likely pathogenic for ERCC2-related disorder. Last evaluated: 2025-12-31. Review status: criteria provided, single submitter. Criteria: Myriad Autosomal Dominant, Autosomal Recessive and X-Linked Classification Criteria (2023). Collection method: clinical testing. Allele origin: unknown.
Comment: NM_000400.3(ERCC2):c.1902+2T>G is a variant in a canonical splice site classified as likely pathogenic in the context of ERCC2-related disorders. c.1902+2T>G has not been observed in cases with relevant disease. Relevant functional assessments of this variant are not available in the literature. c.1902+2T>G has not been observed in referenced population frequency databases. In summary, NM_000400.3(ERCC2):c.1902+2T>G is a variant in a canonical splice site in a gene where loss of function is a known mechanism of disease and is predicted to disrupt protein function. Please note: this variant was assessed in the context of healthy population screening.

NM_000400.4(ERCC2):c.1902+2T>G

Gene: ERCC2 (ERCC excision repair 2, TFIIH core complex helicase subunit; minus strand). Cytogenetic location: 19q13.32.
Variant type: single nucleotide variant.
Coding change: c.1902+2T>G on transcript NM_000400.4 (MANE Select); the canonical splice donor site of the intron after coding-DNA position 1902, T replaced by G.
Molecular consequence: splice donor variant.
Genome position (GRCh38, 1-based): chr19:45,352,744, A>C on the plus strand (T>G on the coding strand, the complement: ERCC2 is on the minus strand). VCF-style: chr19-45352744-A-C. GRCh37 (hg19) VCF-style: chr19-45856002-A-C.
Other names: c.1779+2T>G (NM_001440357.1); c.1824+2T>G (NM_001440356.1); c.1830+2T>G (NM_001440355.1).
Identifiers: ClinVar variation 5004352 (VCV005004352.1).
Genomic context (GRCh38, chr19:45,352,744, plus strand): 5'-GGGGAGCCACTCCTCCCTTGATCCTAACACTGTGGGACTCCCTGGGAGACAGAGCTACTC[A>C]CCTTGAGAATGCGGCTCTGTGTGTAGACGTAGGGGACGCCAAACATGATGACGGCCCGCC-3'